The following is an entry in ClinVar:

ClinVar aggregate classification (germline): Benign/Likely benign. Review status: criteria provided, multiple submitters, no conflicts (2 of 4 stars). 5 submissions from 4 submitters: Benign (3); Likely benign (2). Last evaluated 2026-01-21.

Conditions:
Developmental and epileptic encephalopathy, 14 (DEE14). Also called: Early infantile epileptic encephalopathy 14. Identifiers: Orphanet 293181, MedGen C3554195, MONDO:0013989, OMIM 614959.
Autosomal dominant nocturnal frontal lobe epilepsy 5. Also called: KCNT1-Related Epilepsy; CILIARY DYSKINESIA, PRIMARY, 28, WITHOUT SITUS INVERSUS; CILIARY DYSKINESIA, PRIMARY, 28, WITH SITUS INVERSUS; Epilepsy, nocturnal frontal lobe, 5. Identifiers: Orphanet 98784, MedGen C3554306, MONDO:0014002, OMIM 615005.

Allele frequency attached by ClinVar (database versions not stated): TOPMed 0.00075; ESP Exome Variant Server 0.00077; gnomAD 0.00078 and 0.00083; gnomAD exomes 0.00007 and 0.00021; ExAC 0.00029; 1000 Genomes Project 0.00040; 1000 Genomes Project 30x 0.00047.
gnomAD v4.1: 235 of 1,604,166 alleles (0.015%); highest among the groups gnomAD compares: African/African-American, 0.26%; no homozygotes.

Submissions (5):

Labcorp Genetics (formerly Invitae), Labcorp
Classification: Benign for Autosomal dominant nocturnal frontal lobe epilepsy 5; Developmental and epileptic encephalopathy, 14. Last evaluated: 2026-01-21. Review status: criteria provided, single submitter. Criteria: Invitae Variant Classification Sherloc (09022015). Collection method: clinical testing. Allele origin: germline.

Blueprint Genetics
Classification: Likely benign. Last evaluated: 2024-06-26. Review status: criteria provided, single submitter. Criteria: ACMG Guidelines, 2015. Collection method: clinical testing. Allele origin: germline.

Genome-Nilou Lab
Classification: Benign for Developmental and epileptic encephalopathy, 14. Last evaluated: 2022-03-15. Review status: criteria provided, single submitter. Criteria: ACMG Guidelines, 2015. Collection method: clinical testing. Allele origin: germline. Affected: no.

Genome-Nilou Lab
Classification: Benign for Autosomal dominant nocturnal frontal lobe epilepsy 5. Last evaluated: 2022-03-15. Review status: criteria provided, single submitter. Criteria: ACMG Guidelines, 2015. Collection method: clinical testing. Allele origin: germline. Affected: no.

GeneDx
Classification: Likely benign. Last evaluated: 2018-01-23. Review status: criteria provided, single submitter. Criteria: GeneDx Variant Classification (06012015). Collection method: clinical testing. Allele origin: germline. Affected: yes.
Comment: This variant is considered likely benign or benign based on one or more of the following criteria: it is a conservative change, it occurs at a poorly conserved position in the protein, it is predicted to be benign by multiple in silico algorithms, and/or has population frequency not consistent with disease.

NM_020822.3(KCNT1):c.2842-15C>T

Gene: KCNT1 (potassium sodium-activated channel subfamily T member 1; plus strand). Cytogenetic location: 9q34.3.
Variant type: single nucleotide variant.
Coding change: c.2842-15C>T on transcript NM_020822.3 (MANE Select); 15 bases into the intron before coding-DNA position 2842, C replaced by T.
Molecular consequence: intron variant.
Genome position (GRCh38, 1-based): chr9:135,784,009, C>T. VCF-style: chr9-135784009-C-T. GRCh37 (hg19) VCF-style: chr9-138675855-C-T.
Other names: c.2707-15C>T (NM_001272003.2).
Identifiers: ClinVar variation 384887 (VCV000384887.11), dbSNP rs372262576, ClinGen allele CA5327484.